The following is an entry in ClinVar:

NM_001308120.2(TOGARAM1):c.410A>G (p.Tyr137Cys)

Gene: TOGARAM1 (TOG array regulator of axonemal microtubules 1; plus strand). Cytogenetic location: 14q21.2.
Variant type: single nucleotide variant.
Coding change: c.410A>G on transcript NM_001308120.2 (MANE Select); coding-DNA position 410, A replaced by G.
Protein change: p.Tyr137Cys; replaces tyrosine 137 with cysteine.
Molecular consequence: missense variant. On other transcripts: non-coding transcript variant (1).
Genome position (GRCh38, 1-based): chr14:44,962,831, A>G. VCF-style: chr14-44962831-A-G. GRCh37 (hg19) VCF-style: chr14-45432034-A-G.
Other names: c.410A>G, p.Tyr137Cys (NM_015091.4); short protein forms Y137C.
Identifiers: ClinVar variation 3360922 (VCV003360922.1).

ClinVar aggregate classification (germline): Uncertain significance (1 of 4 stars; one submission).

Submission:

GeneDx
Classification: Uncertain significance. Last evaluated: 2023-07-10. Review status: criteria provided, single submitter. Criteria: GeneDx Variant Classification Process June 2021. Collection method: clinical testing. Allele origin: germline. Affected: yes.
Comment: Not observed at significant frequency in large population cohorts (gnomAD); In silico analysis supports that this missense variant does not alter protein structure/function; Has not been previously published as pathogenic or benign to our knowledge